The following is an entry in ClinVar:

ClinVar aggregate classification (germline): Uncertain significance. Review status: criteria provided, multiple submitters, no conflicts (2 of 4 stars). 2 submissions from 2 submitters: Uncertain significance (2). Last evaluated 2024-04-15.

Conditions:
Medium-chain acyl-coenzyme A dehydrogenase deficiency (ACADMD). Also called: Medium chain acyl-CoA dehydrogenase deficiency; MCADH DEFICIENCY; MCAD Deficiency; ACADM DEFICIENCY; CARNITINE DEFICIENCY SECONDARY TO MEDIUM-CHAIN ACYL-CoA DEHYDROGENASE DEFICIENCY; MCADD. Identifiers: Orphanet 42, MedGen C0220710, MONDO:0008721, OMIM 201450.

gnomAD v4.1: 2 of 1,522,142 alleles (0.00013%); no homozygotes.

Submissions (2):

Fulgent Genetics
Classification: Uncertain significance for Medium-chain acyl-coenzyme A dehydrogenase deficiency. Last evaluated: 2024-04-15. Review status: criteria provided, single submitter. Criteria: ACMG Guidelines, 2015. Collection method: clinical testing. Allele origin: germline.

Labcorp Genetics (formerly Invitae), Labcorp
Classification: Uncertain significance for Medium-chain acyl-coenzyme A dehydrogenase deficiency. Last evaluated: 2022-04-15. Review status: criteria provided, single submitter. Criteria: Invitae Variant Classification Sherloc (09022015). Collection method: clinical testing. Allele origin: germline.
Comment: This sequence change replaces glycine, which is neutral and non-polar, with arginine, which is basic and polar, at codon 4 of the ACADM protein (p.Gly4Arg). This variant is not present in population databases (gnomAD no frequency). This variant has not been reported in the literature in individuals affected with ACADM-related conditions. Advanced modeling of protein sequence and biophysical properties (such as structural, functional, and spatial information, amino acid conservation, physicochemical variation, residue mobility, and thermodynamic stability) performed at Invitae indicates that this missense variant is not expected to disrupt ACADM protein function. Algorithms developed to predict the effect of sequence changes on RNA splicing suggest that this variant may create or strengthen a splice site. In summary, the available evidence is currently insufficient to determine the role of this variant in disease. Therefore, it has been classified as a Variant of Uncertain Significance.

NM_000016.6(ACADM):c.10G>A (p.Gly4Arg)

Gene: ACADM (acyl-CoA dehydrogenase medium chain; plus strand). Cytogenetic location: 1p31.1.
Variant type: single nucleotide variant.
Coding change: c.10G>A on transcript NM_000016.6 (MANE Select); coding-DNA position 10, G replaced by A.
Protein change: p.Gly4Arg; replaces glycine 4 with arginine.
Molecular consequence: missense variant. On other transcripts: 5 prime UTR variant (2).
Genome position (GRCh38, 1-based): chr1:75,724,797, G>A. VCF-style: chr1-75724797-G-A. GRCh37 (hg19) VCF-style: chr1-76190482-G-A.
Other names: c.10G>A, p.Gly4Arg (NM_001127328.3, NM_001286043.2); c.-11G>A (NM_001286042.2); c.-288G>A (NM_001286044.2); short protein forms G4R.
Identifiers: ClinVar variation 2197475 (VCV002197475.2), dbSNP rs777389884, ClinGen allele CA340805669.